The following is an entry in ClinVar:

ClinVar aggregate classification (germline): Pathogenic/Likely pathogenic. Review status: criteria provided, multiple submitters, no conflicts (2 of 4 stars). 4 submissions from 4 submitters: Pathogenic (3); Likely pathogenic (1). Last evaluated 2025-11-17.

Conditions:
Nijmegen breakage syndrome-like disorder (NBSLD). Also called: MICROCEPHALY AND SPONTANEOUS CHROMOSOME INSTABILITY WITHOUT IMMUNODEFICIENCY; NBS-LIKE DISORDER; RAD50 DEFICIENCY. Identifiers: Orphanet 240760, MedGen C2751318, MONDO:0013118, OMIM 613078.
Hereditary cancer-predisposing syndrome. Also called: Neoplastic Syndromes, Hereditary; Tumor predisposition; Hereditary Cancer Syndrome; Hereditary neoplastic syndrome. Identifiers: Orphanet 140162, MedGen C0027672, MeSH D009386, MONDO:0015356.

Submissions (4):

Labcorp Genetics (formerly Invitae), Labcorp
Classification: Pathogenic for Hereditary cancer-predisposing syndrome. Last evaluated: 2025-11-17. Review status: criteria provided, single submitter. Criteria: Invitae Variant Classification Sherloc (09022015). Collection method: clinical testing. Allele origin: germline.
Comment: This sequence change creates a premature translational stop signal (p.Leu541Serfs*2) in the RAD50 gene. It is expected to result in an absent or disrupted protein product. Loss-of-function variants in RAD50 are known to be pathogenic (PMID: 19409520). This variant is present in population databases (rs764968413, gnomAD 0.008%). This variant has not been reported in the literature in individuals affected with RAD50-related conditions. ClinVar contains an entry for this variant (Variation ID: 484635). For these reasons, this variant has been classified as Pathogenic.

Baylor Genetics
Classification: Likely pathogenic for Nijmegen breakage syndrome-like disorder. Last evaluated: 2022-04-15. Review status: criteria provided, single submitter. Criteria: ACMG Guidelines, 2015. Collection method: clinical testing. Allele origin: unknown.

Ambry Genetics
Classification: Pathogenic for Hereditary cancer-predisposing syndrome. Last evaluated: 2019-02-21. Review status: criteria provided, single submitter. Criteria: Ambry Variant Classification Scheme 2023. Collection method: clinical testing. Allele origin: germline.
Comment: The c.1620_1621insAG pathogenic mutation, located in coding exon 10 of the RAD50 gene, results from an insertion of two nucleotides at position 1620, causing a translational frameshift with a predicted alternate stop codon (p.L541Sfs*2). This alteration is expected to result in loss of function by premature protein truncation or nonsense-mediated mRNA decay. As such, this alteration is interpreted as a disease-causing mutation.

Revvity Omics, Revvity
Classification: Pathogenic for Nijmegen breakage syndrome-like disorder. Last evaluated: 2019-01-28. Review status: criteria provided, single submitter. Criteria: ACMG Guidelines, 2015. Collection method: clinical testing. Allele origin: germline.

Literature cited by the submitters: PubMed 19409520 (cited by Labcorp Genetics (formerly Invitae), Labcorp).

NM_005732.4(RAD50):c.1620_1621insAG (p.Leu541fs)

Gene: RAD50 (RAD50 double strand break repair protein; plus strand). Cytogenetic location: 5q31.1.
Variant type: Insertion.
Coding change: c.1620_1621insAG on transcript NM_005732.4 (MANE Select); coding-DNA positions 1620 to 1621, AG inserted.
Protein change: p.Leu541fs; shifts the reading frame from leucine 541.
Molecular consequence: frameshift variant.
Genome position: GRCh38 VCF-style: chr5-132591390-T-TGA. GRCh37 (hg19) VCF-style: chr5-131927082-T-TGA.
Other names: short protein forms L541fs.
Identifiers: ClinVar variation 484635 (VCV000484635.18), dbSNP rs764968413, ClinGen allele CA3405205.
Genomic context (GRCh38, chr5:132,591,390, plus strand): 5'-AACTTGACCAGGAGATGGAGCAGTTAAACCATCATACAACAACACGTACCCAAATGGAGA[T>TGA]GCTGACCAAAGACAAAGTATGATTTTTCTTTTTGTTCTAATTATACTGTCTGGTACTTAA-3'